The following is an entry in ClinVar:

NM_000180.4(GUCY2D):c.2601G>C (p.Thr867=)

Gene: GUCY2D (guanylate cyclase 2D, retinal; plus strand). Cytogenetic location: 17p13.1.
Variant type: single nucleotide variant.
Coding change: c.2601G>C on transcript NM_000180.4 (MANE Select); coding-DNA position 2601, G replaced by C.
Protein change: p.Thr867=; no amino-acid change (threonine 867 retained).
Molecular consequence: synonymous variant.
Genome position (GRCh38, 1-based): chr17:8,014,883, G>C. VCF-style: chr17-8014883-G-C. GRCh37 (hg19) VCF-style: chr17-7918201-G-C.
Identifiers: ClinVar variation 1114812 (VCV001114812.12), dbSNP rs760202269, ClinGen allele CA8366177.

ClinVar aggregate classification (germline): Likely benign. Review status: criteria provided, multiple submitters, no conflicts (2 of 4 stars). 3 submissions from 3 submitters: Likely benign (3). Last evaluated 2026-06-01.

Conditions:
Leber congenital amaurosis 1 (LCA1). Also called: AMAUROSIS CONGENITA OF LEBER I; Congenital absence of the rods and cones; Leber's congenital tapetoretinal degeneration; Leber's congenital tapetoretinal dysplasia; RETINAL BLINDNESS, CONGENITAL. Identifiers: Orphanet 65, MedGen C2931258, MONDO:0008764, OMIM 204000.
Cone-rod dystrophy 6 (CORD6). Also called: Cone dystrophy progressive; RETINAL CONE DYSTROPHY 2. Identifiers: Orphanet 1872, MedGen C1866293, MONDO:0011143, OMIM 601777.

Allele frequency attached by ClinVar (database versions not stated): gnomAD 0.00002 and 0.00003; TOPMed 0.00007; ExAC 0.00011.
gnomAD v4.1: 33 of 1,613,976 alleles (0.002%); highest among the groups gnomAD compares: Admixed American, 0.055%; no homozygotes.

Submissions (3):

CeGaT Center for Human Genetics Tuebingen
Classification: Likely benign. Last evaluated: 2026-06-01. Review status: criteria provided, single submitter. Criteria: CeGaT Center For Human Genetics Tuebingen Variant Classification Criteria Version 2. Collection method: clinical testing. Allele origin: germline. Affected: yes. Observed: 1 variant allele.
Comment: GUCY2D: BP4, BP7

Labcorp Genetics (formerly Invitae), Labcorp
Classification: Likely benign for Leber congenital amaurosis 1; Cone-rod dystrophy 6. Last evaluated: 2026-01-21. Review status: criteria provided, single submitter. Criteria: Invitae Variant Classification Sherloc (09022015). Collection method: clinical testing. Allele origin: germline.

Blueprint Genetics
Classification: Likely benign. Last evaluated: 2018-06-09. Review status: criteria provided, single submitter. Criteria: ACMG Guidelines, 2015. Collection method: clinical testing. Allele origin: germline.